The following is an entry in ClinVar:

NM_007294.4(BRCA1):c.572T>C (p.Val191Ala)

Gene: BRCA1 (BRCA1 DNA repair associated; minus strand). Cytogenetic location: 17q21.31.
Variant type: single nucleotide variant.
Coding change: c.572T>C on transcript NM_007294.4 (MANE Select); coding-DNA position 572, T replaced by C.
Protein change: p.Val191Ala; replaces valine 191 with alanine.
Molecular consequence: missense variant. On other transcripts: non-coding transcript variant (1).
Genome position (GRCh38, 1-based): chr17:43,097,265, A>G on the plus strand (T>C on the coding strand, the complement: BRCA1 is on the minus strand). VCF-style: chr17-43097265-A-G. GRCh37 (hg19) VCF-style: chr17-41249282-A-G.
Other names: c.569T>C, p.Val190Ala (NM_001407587.1, NM_001407590.1, NM_001407591.1 and 41 more transcripts); c.362T>C, p.Val121Ala (NM_001408513.1, NM_001408514.1, NM_001407879.1 and 27 more transcripts); c.572T>C, p.Val191Ala (NM_007298.4, NM_007299.4, NM_001407596.1 and 59 more transcripts); c.431T>C, p.Val144Ala (NM_007297.4, NM_001407692.1, NM_001407694.1 and 43 more transcripts); c.359T>C, p.Val120Ala (NM_001407571.1, NM_001407853.1, NM_001407894.1 and 12 more transcripts); c.563T>C, p.Val188Ala (NM_001407646.1, NM_001407647.1, NM_001408408.1); c.494T>C, p.Val165Ala (NM_001407653.1, NM_001407654.1, NM_001407655.1 and 9 more transcripts); c.491T>C, p.Val164Ala (NM_001407659.1, NM_001407660.1, NM_001407661.1 and 3 more transcripts); and 4 more; short protein forms V164A, V143A, V188A, V144A, V165A, V191A, V63A, V120A.
Identifiers: ClinVar variation 1749326 (VCV001749326.2), dbSNP rs80357142, ClinGen allele CA10600981.

ClinVar aggregate classification (germline): Uncertain significance (1 of 4 stars; one submission).

Conditions:
Hereditary cancer-predisposing syndrome. Also called: Hereditary Cancer Syndrome; Hereditary neoplastic syndrome; Neoplastic Syndromes, Hereditary; Tumor predisposition. Identifiers: Orphanet 140162, MedGen C0027672, MeSH D009386, MONDO:0015356.

Submission:

Ambry Genetics
Classification: Uncertain significance for Hereditary cancer-predisposing syndrome. Last evaluated: 2022-07-12. Review status: criteria provided, single submitter. Criteria: Ambry Variant Classification Scheme 2023. Collection method: clinical testing. Allele origin: germline.
Comment: The p.V191A variant (also known as c.572T>C), located in coding exon 7 of the BRCA1 gene, results from a T to C substitution at nucleotide position 572. The valine at codon 191 is replaced by alanine, an amino acid with similar properties. This amino acid position is not well conserved in available vertebrate species. In addition, this alteration is predicted to be deleterious by in silico analysis. Since supporting evidence is limited at this time, the clinical significance of this alteration remains unclear.